The following is an entry in ClinVar:

NM_001006658.3(CR2):c.2620G>A (p.Asp874Asn)

Gene: CR2 (complement C3d receptor 2; plus strand). Cytogenetic location: 1q32.2.
Variant type: single nucleotide variant.
Coding change: c.2620G>A on transcript NM_001006658.3 (MANE Select); coding-DNA position 2620, G replaced by A.
Protein change: p.Asp874Asn; replaces aspartic acid 874 with asparagine.
Molecular consequence: missense variant.
Genome position (GRCh38, 1-based): chr1:207,475,120, G>A. VCF-style: chr1-207475120-G-A. GRCh37 (hg19) VCF-style: chr1-207648465-G-A.
Other names: c.2443G>A, p.Asp815Asn (NM_001877.5); short protein forms D815N, D874N.
Identifiers: ClinVar variation 1898457 (VCV001898457.4), dbSNP rs759615903, ClinGen allele CA344539139.

ClinVar aggregate classification (germline): Uncertain significance. Review status: criteria provided, multiple submitters, no conflicts (2 of 4 stars). 2 submissions from 2 submitters: Uncertain significance (2). Last evaluated 2024-07-09.

Conditions:
Inborn genetic diseases. Identifiers: MedGen C0950123, MeSH D030342.
Immunodeficiency, common variable, 7. Identifiers: Orphanet 1572, Orphanet 696894, MedGen C3542922, MONDO:0013862, OMIM 614699.

gnomAD v4.1: 8 of 1,612,548 alleles (0.0005%); highest among the groups gnomAD compares: Admixed American, 0.0033%; no homozygotes.

Submissions (2):

Ambry Genetics
Classification: Uncertain significance for Inborn genetic diseases. Last evaluated: 2024-07-09. Review status: criteria provided, single submitter. Criteria: Ambry Variant Classification Scheme 2023. Collection method: clinical testing. Allele origin: germline.

Labcorp Genetics (formerly Invitae), Labcorp
Classification: Uncertain significance for Immunodeficiency, common variable, 7. Last evaluated: 2022-04-16. Review status: criteria provided, single submitter. Criteria: Invitae Variant Classification Sherloc (09022015). Collection method: clinical testing. Allele origin: germline.
Comment: This sequence change replaces aspartic acid, which is acidic and polar, with asparagine, which is neutral and polar, at codon 874 of the CR2 protein (p.Asp874Asn). This variant is present in population databases (no rsID available, gnomAD no frequency). This variant has not been reported in the literature in individuals affected with CR2-related conditions. Algorithms developed to predict the effect of missense changes on protein structure and function (SIFT, PolyPhen-2, Align-GVGD) all suggest that this variant is likely to be tolerated. In summary, the available evidence is currently insufficient to determine the role of this variant in disease. Therefore, it has been classified as a Variant of Uncertain Significance.